The following is an entry in ClinVar:

ClinVar aggregate classification (germline): Uncertain significance (1 of 4 stars; one submission).

Conditions:
CACNA1A-related disorder. Also called: CACNA1A-related condition.

Submission:

PreventionGenetics, part of Exact Sciences
Classification: Uncertain significance for CACNA1A-related condition. Last evaluated: 2023-07-31. Review status: criteria provided, single submitter. Criteria: ACMG Guidelines, 2015. Collection method: clinical testing. Allele origin: germline.
Comment: The CACNA1A c.6831C>G variant is predicted to result in the amino acid substitution p.Ser2277Arg. To our knowledge, this variant has not been reported in the literature or in a large population database, indicating this variant is rare. At this time, the clinical significance of this variant is uncertain due to the absence of conclusive functional and genetic evidence.

NM_001127222.2(CACNA1A):c.6831C>G (p.Ser2277Arg)

Gene: CACNA1A (calcium voltage-gated channel subunit alpha1 A; minus strand). Cytogenetic location: 19p13.13.
Variant type: single nucleotide variant.
Coding change: c.6831C>G on transcript NM_001127222.2 (MANE Select); coding-DNA position 6831, C replaced by G.
Protein change: p.Ser2277Arg; replaces serine 2277 with arginine.
Molecular consequence: missense variant. On other transcripts: 3 prime UTR variant (3).
Genome position (GRCh38, 1-based): chr19:13,208,003, G>C on the plus strand (C>G on the coding strand, the complement: CACNA1A is on the minus strand). VCF-style: chr19-13208003-G-C. GRCh37 (hg19) VCF-style: chr19-13318817-G-C.
Other names: c.*43C>G (NM_000068.4, NM_001127221.2, NM_001174080.2); c.6849C>G, p.Ser2283Arg (NM_023035.3); short protein forms S2277R, S2283R.
Identifiers: ClinVar variation 2634719 (VCV002634719.1), dbSNP rs2512509161, ClinGen allele CA404329000.